The following is an entry in ClinVar:

NM_001083962.2(TCF4):c.1727G>A (p.Arg576Gln)

Gene: TCF4 (transcription factor 4; minus strand). Cytogenetic location: 18q21.2.
Variant type: single nucleotide variant.
Coding change: c.1727G>A on transcript NM_001083962.2 (MANE Select); coding-DNA position 1727, G replaced by A.
Protein change: p.Arg576Gln; replaces arginine 576 with glutamine.
Molecular consequence: missense variant.
Genome position (GRCh38, 1-based): chr18:55,228,999, C>T on the plus strand (G>A on the coding strand, the complement: TCF4 is on the minus strand). VCF-style: chr18-55228999-C-T. GRCh37 (hg19) VCF-style: chr18-52896230-C-T.
Other names: c.2033G>A, p.Arg678Gln (NM_001243226.3); c.1655G>A, p.Arg552Gln (NM_001243227.2, NM_001348217.1, NM_001348218.2 and 1 more transcripts); c.1745G>A, p.Arg582Gln (NM_001243228.2); c.1706G>A, p.Arg569Gln (NM_001243230.2); c.1589G>A, p.Arg530Gln (NM_001243231.2); c.1514G>A, p.Arg505Gln (NM_001243232.1); c.1325G>A, p.Arg442Gln (NM_001243233.2, NM_001348212.2); c.1247G>A, p.Arg416Gln (NM_001243234.2, NM_001348216.2); and 14 more; short protein forms R576Q, R553Q, R360Q, R411Q, R501Q, R505Q, R530Q, R548Q.
Identifiers: ClinVar variation 381549 (VCV000381549.12), dbSNP rs1057521070, ClinGen allele CA16607615.

ClinVar aggregate classification (germline): Pathogenic. Review status: reviewed by expert panel (3 of 4 stars). 4 submissions from 4 submitters: Pathogenic (1). 3 of the submissions do not count toward it. Last evaluated 2021-03-26.
ClinVar aggregate classification (somatic clinical impact): Tier II - Potential (1 of 4 stars; one submission).

Conditions:
TCF4-related disorder. Also called: TCF4-related condition.
Inborn genetic diseases. Identifiers: MedGen C0950123, MeSH D030342.
Pitt-Hopkins syndrome (PTHS). Also called: MENTAL RETARDATION, SYNDROMAL, WITH INTERMITTENT HYPERVENTILATION; ENCEPHALOPATHY, SEVERE EPILEPTIC, WITH AUTONOMIC DYSFUNCTION. Identifiers: Orphanet 2896, MedGen C1970431, MONDO:0012589, OMIM 610954.
Medulloblastoma SHH activated. Identifiers: MedGen C4330671, MONDO:0850197.

Submissions (5):

ClinGen Rett and Angelman-like Disorders Variant Curation Expert Panel
Classification: Pathogenic for Pitt-Hopkins syndrome. Last evaluated: 2021-03-26. Review status: reviewed by expert panel. Criteria: ClinGen RettAS ACMG Specifications V1. Collection method: curation. Allele origin: germline. Inheritance: Autosomal dominant inheritance.
Comment: The p.Arg576Gln variant in TCF4 has been reported as a de novo occurrence (biological parentage confirmed) in at least 2 individuals with Pitt-Hopkins syndrome (PMID 23033978, 28726809) (PS2_VS, PS4_supporting, PP4). The p.Arg576Gln variant in TCF4 is absent from gnomAD (PM2_supporting). In vitro binding assays have shown that this variant impacts protein function (PMID 22460224) (PS3_supporting). The p.Arg576Gln variant occurs in the well-characterized basic Helix-Loop-Helix domain of TCF4 (PM1). Computational prediction analysis tools suggests a deleterious impact; however, this information does not predict clinical significance on its own (PP3). In summary, the p.Arg576Gln variant in TCF4 is classified as Pathogenic for Pitt-Hopkins syndrome based on the ACMG/AMP criteria (PS2_VS, PM1, PS4_supporting, PM2_supporting, PP3, PP4).

GeneDx
Classification: Pathogenic. Last evaluated: 2024-08-09. Review status: criteria provided, single submitter. Criteria: GeneDx Variant Classification Process June 2021. Collection method: clinical testing. Allele origin: germline. Affected: yes. Not counted in ClinVar's aggregate classification.
Comment: Identified in a patient with Pitt-Hopkins syndrome in the literature who inherited the variant from a parent who is mosaic (PMID: 22045651); In silico analysis supports that this missense variant has a deleterious effect on protein structure/function; Not observed at significant frequency in large population cohorts (gnomAD); This variant is associated with the following publications: (PMID: 24884844, 19235238, 24896178, 17436254, 18781613, 18728071, 28807867, 28726809, 23033978, 28191890, 12848929, 31785789, 33057194, 35982159, 22460224, 22045651)

Institute for Genomic Medicine (IGM) Clinical Laboratory, Nationwide Children's Hospital
Classification: Tier II - Potential for Medulloblastoma SHH activated. Assertion type: diagnostic. Clinical significance: supports diagnosis. Last evaluated: 2024-07-11. Review status: criteria provided, single submitter. Criteria: AMP/ASCO/CAP Guidelines, 2017. Collection method: clinical testing. Allele origin: somatic. Affected: yes.
Comment: Variant has Tier II (potential) clinical significance as a diagnostic inclusion criterion in medulloblastoma SHH activated, based on the following evidence: 1) Documented in one or more cancer databases (e.g., St. Jude Pecan, COSMIC, CIViC, OncoKB). 2) Assists in diagnosis alone or along with other biomarkers based on small studies or few case reports (Evidence Level D; PMIDs: 30830316, 28726821, 24651015).

PreventionGenetics, part of Exact Sciences
Classification: Pathogenic for TCF4-related condition. Last evaluated: 2022-10-29. Review status: criteria provided, single submitter. Criteria: ACMG Guidelines, 2015. Collection method: clinical testing. Allele origin: germline. Not counted in ClinVar's aggregate classification.
Comment: The TCF4 c.1727G>A variant is predicted to result in the amino acid substitution p.Arg576Gln. This variant was reported to have occurred de novo in individuals with Pitt-Hopkins syndrome (Amiel et al. 2007. PubMed ID: 17436254; Table S3, de Ligt et al. 2012. PubMed ID: 23033978; reported as p.Arg412Gln in Table 2, Strauss et al. 2018. PubMed ID: 28726809). Functional studies suggested that this variant could impact protein function (Sepp et al. 2012. PubMed ID: 22460224). This variant has not been reported in a large population database, indicating this variant is rare. This variant is interpreted as pathogenic.

Ambry Genetics
Classification: Pathogenic for Inborn genetic diseases. Last evaluated: 2017-03-23. Review status: criteria provided, single submitter. Criteria: Ambry exome assertion method (8-5-2015). Collection method: clinical testing. Allele origin: germline. Affected: yes. Observed: 1 variant allele. Not counted in ClinVar's aggregate classification.

Literature cited by the submitters: PubMed 28726809 (cited by ClinGen Rett and Angelman-like Disorders Variant Curation Expert Panel); PubMed 23033978 (cited by ClinGen Rett and Angelman-like Disorders Variant Curation Expert Panel and Ambry Genetics); PubMed 30830316 (cited by Institute for Genomic Medicine (IGM) Clinical Laboratory, Nationwide Children's Hospital); PubMed 28726821 (cited by Institute for Genomic Medicine (IGM) Clinical Laboratory, Nationwide Children's Hospital); PubMed 24651015 (cited by Institute for Genomic Medicine (IGM) Clinical Laboratory, Nationwide Children's Hospital); PubMed 12848929 (cited by Ambry Genetics).